The following is an entry in ClinVar:

ClinVar aggregate classification (germline): Uncertain significance (1 of 4 stars; one submission).

Conditions:
Spastic paraplegia. Identifiers: MedGen C0037772, HP:0001258.

Allele frequency attached by ClinVar (database versions not stated): gnomAD 0.00002; TOPMed 0.00002.
gnomAD v4.1: 5 of 1,584,044 alleles (0.00032%); highest among the groups gnomAD compares: African/African-American, 0.004%; no homozygotes.

Submission:

Labcorp Genetics (formerly Invitae), Labcorp
Classification: Uncertain significance for Spastic paraplegia. Last evaluated: 2022-05-05. Review status: criteria provided, single submitter. Criteria: Invitae Variant Classification Sherloc (09022015). Collection method: clinical testing. Allele origin: germline.
Comment: This sequence change replaces glutamic acid, which is acidic and polar, with lysine, which is basic and polar, at codon 138 of the CYP2U1 protein (p.Glu138Lys). This variant is not present in population databases (gnomAD no frequency). In summary, the available evidence is currently insufficient to determine the role of this variant in disease. Therefore, it has been classified as a Variant of Uncertain Significance. Advanced modeling of protein sequence and biophysical properties (such as structural, functional, and spatial information, amino acid conservation, physicochemical variation, residue mobility, and thermodynamic stability) performed at Invitae indicates that this missense variant is not expected to disrupt CYP2U1 protein function. This variant has not been reported in the literature in individuals affected with CYP2U1-related conditions.

NM_183075.3(CYP2U1):c.412G>A (p.Glu138Lys)

Genes: CYP2U1 (cytochrome P450 family 2 subfamily U member 1; plus strand), CYP2U1-AS1 (CYP2U1 and SGMS2 antisense RNA 1; minus strand). Cytogenetic location: 4q25.
Variant type: single nucleotide variant.
Coding change: c.412G>A on transcript NM_183075.3 (MANE Select); coding-DNA position 412, G replaced by A.
Protein change: p.Glu138Lys; replaces glutamic acid 138 with lysine.
Molecular consequence: missense variant. On other transcripts: non-coding transcript variant (1).
Genome position (GRCh38, 1-based): chr4:107,932,055, G>A. VCF-style: chr4-107932055-G-A. GRCh37 (hg19) VCF-style: chr4-108853211-G-A.
Other names: short protein forms E138K.
Identifiers: ClinVar variation 2143105 (VCV002143105.4), dbSNP rs748485159, ClinGen allele CA3036985.